The following is an entry in ClinVar:

ClinVar aggregate classification (germline): Pathogenic/Likely pathogenic. Review status: criteria provided, multiple submitters, no conflicts (2 of 4 stars). 8 submissions from 6 submitters: Pathogenic (2); Likely pathogenic (1). 5 of the submissions do not count toward it. Last evaluated 2025-09-22.

Conditions:
Jeune thoracic dystrophy. Also called: Jeune syndrome; Infantile thoracic dystrophy; Thoracic pelvic phalangeal dystrophy; Jeune's syndrome; Chondroectodermal dysplasia-like syndrome; Short-rib thoracic dysplasia. Identifiers: Orphanet 474, MedGen C0265275, MONDO:0018770.
DYNC2H1-related disorder. Also called: DYNC2H1-related disorders; DYNC2H1-related condition. Identifiers: MedGen CN378770.
Asphyxiating thoracic dystrophy 3. Also called: Saldino-Noonan Syndrome; SHORT-RIB THORACIC DYSPLASIA 3 WITH OR WITHOUT POLYDACTYLY; POLYDACTYLY WITH NEONATAL CHONDRODYSTROPHY, TYPE I; SHORT-RIB THORACIC DYSPLASIA 3/6 WITH POLYDACTYLY, DIGENIC; Short rib polydactyly syndrome 2B. Identifiers: Orphanet 474, Orphanet 93269, Orphanet 93270, Orphanet 93271, MedGen C0036069, MONDO:0013127, OMIM 613091.

Allele frequency attached by ClinVar (database versions not stated): gnomAD exomes 0.00001 and 0.00003; TOPMed 0.00001; ExAC 0.00003.
gnomAD v4.1: 10 of 1,602,036 alleles (0.00062%); highest among the groups gnomAD compares: East Asian, 0.0045%; no homozygotes.

Submissions (8):

Labcorp Genetics (formerly Invitae), Labcorp
Classification: Pathogenic for Jeune thoracic dystrophy. Last evaluated: 2025-09-22. Review status: criteria provided, single submitter. Criteria: Invitae Variant Classification Sherloc (09022015). Collection method: clinical testing. Allele origin: germline.
Comment: This sequence change affects a donor splice site in intron 59 of the DYNC2H1 gene. It is expected to disrupt RNA splicing. Variants that disrupt the donor or acceptor splice site typically lead to a loss of protein function (PMID: 16199547), and loss-of-function variants in DYNC2H1 are known to be pathogenic (PMID: 23339108, 32753734, 33755199). This variant is present in population databases (rs776407305, gnomAD 0.006%). Disruption of this splice site has been observed in individuals with DYNC2H1-related conditions (PMID: 23339108, 29068549). ClinVar contains an entry for this variant (Variation ID: 446543). Algorithms developed to predict the effect of sequence changes on RNA splicing suggest that this variant may disrupt the consensus splice site. For these reasons, this variant has been classified as Pathogenic.

Blueprint Genetics
Classification: Likely pathogenic for DYNC2H1-related disorders. Last evaluated: 2023-07-07. Review status: criteria provided, single submitter. Criteria: ACMG Guidelines, 2015. Collection method: clinical testing. Allele origin: germline. Affected: yes. Observed: 2 variant alleles.

Juno Genomics, Hangzhou Juno Genomics, Inc
Classification: Pathogenic for Asphyxiating thoracic dystrophy 3. Review status: criteria provided, single submitter. Criteria: ACMG Guidelines, 2015. Collection method: clinical testing. Allele origin: germline. Affected: yes.
Comment: Absent from controls (or at extremely low frequency if recessive) in Genome Aggregation Database, Exome Sequencing Project, 1000 Genomes Project, or Exome Aggregation Consortium.;Null variant in a gene where loss of function (LOF) is a known mechanism of disease.;Patient's phenotype or family history is highly specific for a disease with a single genetic etiology.

PreventionGenetics, part of Exact Sciences
Classification: Likely pathogenic for DYNC2H1-related condition. Last evaluated: 2024-05-28. Review status: no assertion criteria provided. Collection method: clinical testing. Allele origin: germline. Not counted in ClinVar's aggregate classification.
Comment: The DYNC2H1 c.9353+1G>A variant is predicted to disrupt the GT donor site and interfere with normal splicing. This variant was reported in a fetus with asphyxiating thoracic dystrophy (Fetus F3, Baujat et al. 2013. PubMed ID: 23339108), and in the compound heterozygous state in a patient with asphyxiating thoracic dystrophy (Patient R00-294A in Table S2, Zhang et al. 2017. PubMed ID: 29068549). This variant was also found in two other patients reported in Zhang et al., however, phase was not indicated or additional variants were also found (Patient R08-307 in Table S2 and R02-109 in Table S3, Zhang et al. 2017. PubMed ID: 29068549). This variant is reported in 0.0062% of alleles in individuals of Latino descent in gnomAD. Variants that disrupt the consensus splice donor site in DYNC2H1 are expected to be pathogenic. This variant is interpreted as likely pathogenic.

Dan Cohn Lab, University Of California Los Angeles
Classification: Pathogenic for Asphyxiating thoracic dystrophy. Last evaluated: 2017-06-01. Review status: no assertion criteria provided. Collection method: research. Allele origin: maternal. Affected: yes. Not counted in ClinVar's aggregate classification.

Dan Cohn Lab, University Of California Los Angeles
Classification: Pathogenic for Asphyxiating thoracic dystrophy 3. Last evaluated: 2017-06-01. Review status: no assertion criteria provided. Collection method: research. Allele origin: unknown. Affected: yes. Not counted in ClinVar's aggregate classification.

University of Washington Center for Mendelian Genomics, University of Washington
Classification: Likely pathogenic for Asphyxiating thoracic dystrophy 3. Review status: no assertion criteria provided. Collection method: research. Allele origin: inherited. Affected: yes. Not counted in ClinVar's aggregate classification.

University of Washington Center for Mendelian Genomics, University of Washington
Classification: Likely pathogenic for asphyxiating thoracic dystrophy. Review status: no assertion criteria provided. Collection method: research. Allele origin: inherited. Affected: yes. Not counted in ClinVar's aggregate classification.

Literature cited by the submitters: PubMed 16199547 (cited by Labcorp Genetics (formerly Invitae), Labcorp); PubMed 23339108 (cited by Labcorp Genetics (formerly Invitae), Labcorp); PubMed 32753734 (cited by Labcorp Genetics (formerly Invitae), Labcorp); PubMed 33755199 (cited by Labcorp Genetics (formerly Invitae), Labcorp); PubMed 29068549 (cited by 3 submitters).

NM_001377.3(DYNC2H1):c.9353+1G>A

Gene: DYNC2H1 (dynein cytoplasmic 2 heavy chain 1; plus strand). Cytogenetic location: 11q22.3.
Variant type: single nucleotide variant.
Coding change: c.9353+1G>A on transcript NM_001377.3 (MANE Select); the canonical splice donor site of the intron after coding-DNA position 9353, G replaced by A.
Molecular consequence: splice donor variant.
Genome position (GRCh38, 1-based): chr11:103,223,087, G>A. VCF-style: chr11-103223087-G-A. GRCh37 (hg19) VCF-style: chr11-103093816-G-A.
Other names: c.9353+1G>A (NM_001080463.2).
Identifiers: ClinVar variation 446543 (VCV000446543.11), dbSNP rs776407305, ClinGen allele CA6254660.